The following is an entry in ClinVar:

ClinVar aggregate classification (germline): Likely benign. Review status: reviewed by expert panel (3 of 4 stars). 5 submissions from 5 submitters: Likely benign (1). 4 of the submissions do not count toward it. Last evaluated 2026-06-23.

Conditions:
Galactosemia. Also called: Galactose intolerance. Identifiers: Orphanet 352, MedGen C0016952, MONDO:0018116, HP:0004919. Disease mechanism: loss of function.
Deficiency of UDPglucose-hexose-1-phosphate uridylyltransferase. Also called: Transferase Deficiency Galactosemia; GALACTOSE-1-PHOSPHATE URIDYLYLTRANSFERASE DEFICIENCY; GALACTOSEMIA I; GALT deficiency; Galactosemia, classic. Identifiers: Orphanet 352, Orphanet 79239, MedGen C0268151, MONDO:0009258, OMIM 230400.

Allele frequency attached by ClinVar (database versions not stated): ExAC 0.00040; gnomAD 0.00015; TOPMed 0.00029; gnomAD exomes 0.00062 and 0.00029.
gnomAD v4.1: 198 of 1,614,072 alleles (0.012%); highest among the groups gnomAD compares: Admixed American, 0.32%; no homozygotes.

Submissions (5):

Clingen Galactosemia Variant Curation Expert Panel, ClinGen
Classification: Likely benign for Galactosemia. Last evaluated: 2026-06-23. Review status: reviewed by expert panel. Criteria: ClinGen Galactosemia ACMG Specifications GALT V1.1. Collection method: curation. Allele origin: germline. Inheritance: Autosomal recessive inheritance.
Comment: The c.564+15G>A (NM_000155.4) variant in GALT is an intronic variant that is not predicted by SpliceAI to impact splicing. In addition, it occurs at a nucleotide that is not predicted to be involved in splicing (BP4, BP7). The filtering allele frequency in gnomAD v4.1.0 is 0.002844 in admixed American population (PM2_Supporting, BS1, and BA1 are not met). In summary, this variant meets the criteria to be classified as likely benign for galactosemia based on the ACMG/AMP criteria applied, as specified by the ClinGen Galactosemia VCEP: BP4, BP7 (GALT specifications v1.0.0).

Labcorp Genetics (formerly Invitae), Labcorp
Classification: Benign for Deficiency of UDPglucose-hexose-1-phosphate uridylyltransferase. Last evaluated: 2026-01-22. Review status: criteria provided, single submitter. Criteria: Invitae Variant Classification Sherloc (09022015). Collection method: clinical testing. Allele origin: germline. Not counted in ClinVar's aggregate classification.

Mayo Clinic Laboratories, Mayo Clinic
Classification: Likely benign. Last evaluated: 2025-11-03. Review status: criteria provided, single submitter. Criteria: ACMG Guidelines, 2015. Collection method: clinical testing. Allele origin: germline. Observed: 12 variant alleles. Not counted in ClinVar's aggregate classification.
Comment: BS1, BP4, BP7

Women's Health and Genetics/Laboratory Corporation of America, LabCorp
Classification: Likely benign. Last evaluated: 2016-02-19. Review status: criteria provided, single submitter. Criteria: LabCorp Variant Classification Summary - May 2015. Collection method: clinical testing. Allele origin: germline. Not counted in ClinVar's aggregate classification.
Comment: Variant summary: The GALT c.564+15G>A variant affects a non-conserved intronic nucleotide not widely known to impact normal splicing. Mutation Taster predicts a benign outcome for this variant, and 4/5 Alamut algorithms predict no change to the splice donor site, however these in silico predictions have not been verified with functional studies. This variant is found in 48/121384 control chromosomes at a frequency of 0.0003954, which does not significantly exceed maximal expected frequency of a pathogenic allele (0.0028868). Additionally, multiple clinical labs/databases classify the variant as benign/likely benign without providing evidence to independently evaluate. Taken together, the variant was classified as Likely Benign until additional information becomes available.

Eurofins Ntd Llc (ga)
Classification: Likely benign. Last evaluated: 2015-09-25. Review status: criteria provided, single submitter. Criteria: EGL Classification Definitions 2015. Collection method: clinical testing. Allele origin: germline. Observed: 3 variant alleles, 3 heterozygotes. Not counted in ClinVar's aggregate classification.

Literature cited by the submitters: PubMed 28374897 (cited by Mayo Clinic Laboratories, Mayo Clinic); PubMed 11754113 (cited by Women's Health and Genetics/Laboratory Corporation of America, LabCorp).

NM_000155.4(GALT):c.564+15G>A

Gene: GALT (galactose-1-phosphate uridylyltransferase; plus strand). Cytogenetic location: 9p13.3.
Variant type: single nucleotide variant.
Coding change: c.564+15G>A on transcript NM_000155.4 (MANE Select); 15 bases into the intron after coding-DNA position 564, G replaced by A.
Molecular consequence: intron variant.
Genome position (GRCh38, 1-based): chr9:34,648,186, G>A. VCF-style: chr9-34648186-G-A. GRCh37 (hg19) VCF-style: chr9-34648183-G-A.
Other names: p.?; c.237+15G>A (NM_001258332.2).
Identifiers: ClinVar variation 25216 (VCV000025216.17), dbSNP rs111033732, ClinGen allele CA259440.
Genomic context (GRCh38, chr9:34,648,186, plus strand): 5'-CAAAGGTGCCATGATGGGCTGTTCTAACCCCCACCCCCACTGCCAGGTAAGGGTGTCAGG[G>A]GCTCCAGTGGGTTTCTTGGCTGAGTCTGAGCCAGCACTGTGGACATGGGAACAGGATTAA-3'